The following is an entry in ClinVar:

ClinVar aggregate classification (germline): Likely benign (1 of 4 stars; one submission).

Conditions:
Cleft lip/palate-ectodermal dysplasia syndrome (CLPED1). Also called: ECTODERMAL DYSPLASIA, CLEFT LIP AND PALATE, MENTAL RETARDATION, AND SYNDACTYLY; ECTODERMAL DYSPLASIA, MARGARITA ISLAND TYPE; ECTODERMAL DYSPLASIA, TYPE 4; Zlotogora syndrome; ZLOTOGORA-OGUR SYNDROME. Identifiers: Orphanet 3253, MedGen C2931488, MONDO:0009151, OMIM 225060.

Allele frequency attached by ClinVar (database versions not stated): gnomAD 0.02812 and 0.03017; 1000 Genomes Project 0.02835; 1000 Genomes Project 30x 0.02936; TOPMed 0.03171.
gnomAD v4.1: 6,122 of 985,730 alleles (0.62%); highest among the groups gnomAD compares: African/African-American, 9.7%; 270 homozygotes.

Submission:

Illumina Laboratory Services, Illumina
Classification: Likely benign for Cleft lip/palate-ectodermal dysplasia syndrome. Last evaluated: 2018-01-13. Review status: criteria provided, single submitter. Criteria: ICSL Variant Classification Criteria 13 December 2019. Collection method: clinical testing. Allele origin: germline.
Comment: This variant was observed in the ICSL laboratory as part of a predisposition screen in an ostensibly healthy population. It had not been previously curated by ICSL or reported in the Human Gene Mutation Database (HGMD: prior to June 1st, 2018), and was therefore a candidate for classification through an automated scoring system. Utilizing variant allele frequency, disease prevalence and penetrance estimates, and inheritance mode, an automated score was calculated to assess if this variant is too frequent to cause the disease. Based on the score and internal cut-off values, a variant classified as likely benign is not then subjected to further curation. The score for this variant resulted in a classification of likely benign for this disease.

NM_002855.5(NECTIN1):c.*3013G>A

Gene: NECTIN1 (nectin cell adhesion molecule 1; minus strand). Cytogenetic location: 11q23.3.
Variant type: single nucleotide variant.
Coding change: c.*3013G>A on transcript NM_002855.5 (MANE Select); 3013 bases downstream of the stop codon, G replaced by A.
Molecular consequence: 3 prime UTR variant. On other transcripts: intron variant (1).
Genome position (GRCh38, 1-based): chr11:119,661,734, C>T on the plus strand (G>A on the coding strand, the complement: NECTIN1 is on the minus strand). VCF-style: chr11-119661734-C-T. GRCh37 (hg19) VCF-style: chr11-119532444-C-T.
Other names: c.1003+13425G>A (NM_203285.2).
Identifiers: ClinVar variation 880099 (VCV000880099.5), dbSNP rs75467939, ClinGen allele CA16430748.
Genomic context (GRCh38, chr11:119,661,734, plus strand): 5'-TGGCTGGCAGAGGAAGCGCATGCCCAGGAAACAGGGCCCCTATAAGGCTCTCTTGCAGCC[C>T]GGGCACTGGGAAATTCGTTTCTCCTTAATGGCTTTCAGCAGGATCAGACCATTCCCTCTG-3'